The following is an entry in ClinVar:

NM_000101.4(CYBA):c.173A>G (p.Lys58Arg)

Gene: CYBA (cytochrome b-245 alpha chain; minus strand). Cytogenetic location: 16q24.2.
Variant type: single nucleotide variant.
Coding change: c.173A>G on transcript NM_000101.4 (MANE Select); coding-DNA position 173, A replaced by G.
Protein change: p.Lys58Arg; replaces lysine 58 with arginine.
Molecular consequence: missense variant.
Genome position (GRCh38, 1-based): chr16:88,647,131, T>C on the plus strand (A>G on the coding strand, the complement: CYBA is on the minus strand). VCF-style: chr16-88647131-T-C. GRCh37 (hg19) VCF-style: chr16-88713539-T-C.
Other names: short protein forms K58R.
Identifiers: ClinVar variation 534659 (VCV000534659.10), dbSNP rs200016139, ClinGen allele CA8228404.

ClinVar aggregate classification (germline): Uncertain significance. Review status: criteria provided, multiple submitters, no conflicts (2 of 4 stars). 5 submissions from 5 submitters: Uncertain significance (4). 1 of the submissions does not count toward it. Last evaluated 2025-01-13.

Conditions:
Chronic granulomatous disease. Identifiers: Orphanet 379, MedGen C0018203, MONDO:0018305.
Granulomatous disease, chronic, autosomal recessive, cytochrome b-negative. Also called: GRANULOMATOUS DISEASE, CHRONIC, AUTOSOMAL RECESSIVE, 4; Chronic granulomatous disease, autosomal, due to deficiency of CYBA; CGD DUE TO DEFICIENCY OF THE ALPHA SUBUNIT OF CYTOCHROME b; CGD, AUTOSOMAL RECESSIVE CYTOCHROME b-NEGATIVE; CYBA DEFICIENCY. Identifiers: Orphanet 379, MedGen C1856255, MONDO:0009308, OMIM 233690.

Allele frequency attached by ClinVar (database versions not stated): ESP Exome Variant Server 0.00008; gnomAD 0.00010 and 0.00011; TOPMed 0.00011; gnomAD exomes 0.00014 and 0.00017; ExAC 0.00016.
gnomAD v4.1: 268 of 1,611,250 alleles (0.017%); highest among the groups gnomAD compares: Non-Finnish European, 0.019%; no homozygotes.

Submissions (5):

Labcorp Genetics (formerly Invitae), Labcorp
Classification: Uncertain significance for Granulomatous disease, chronic, autosomal recessive, cytochrome b-negative. Last evaluated: 2025-01-13. Review status: criteria provided, single submitter. Criteria: Invitae Variant Classification Sherloc (09022015). Collection method: clinical testing. Allele origin: germline.
Comment: This sequence change replaces lysine, which is basic and polar, with arginine, which is basic and polar, at codon 58 of the CYBA protein (p.Lys58Arg). This variant is present in population databases (rs200016139, gnomAD 0.05%). This variant has not been reported in the literature in individuals affected with CYBA-related conditions. ClinVar contains an entry for this variant (Variation ID: 534659). An algorithm developed to predict the effect of missense changes on protein structure and function outputs the following: PolyPhen-2: "Benign". The arginine amino acid residue is found in multiple mammalian species, which suggests that this missense change does not adversely affect protein function. In summary, the available evidence is currently insufficient to determine the role of this variant in disease. Therefore, it has been classified as a Variant of Uncertain Significance.

Blueprint Genetics
Classification: Uncertain significance. Last evaluated: 2023-10-13. Review status: criteria provided, single submitter. Criteria: ACMG Guidelines, 2015. Collection method: clinical testing. Allele origin: germline.

Eurofins Ntd Llc (ga)
Classification: Uncertain significance. Last evaluated: 2018-03-06. Review status: criteria provided, single submitter. Criteria: EGL ClinVar v180209 classification definitions. Collection method: clinical testing. Allele origin: germline. Observed: 1 variant allele, 1 heterozygote.

Breakthrough Genomics
Classification: Uncertain significance. Review status: criteria provided, single submitter. Criteria: ACMG Guidelines, 2015. Collection method: not provided. Allele origin: germline. Inheritance: Autosomal recessive inheritance. Affected: yes.

Natera, Inc.
Classification: Uncertain significance for Chronic granulomatous disease. Last evaluated: 2020-02-26. Review status: no assertion criteria provided. Collection method: clinical testing. Allele origin: germline. Not counted in ClinVar's aggregate classification.